The following is an entry in ClinVar:

ClinVar aggregate classification (germline): Conflicting classifications of pathogenicity. Review status: criteria provided, conflicting classifications (1 of 4 stars). 7 submissions from 7 submitters: Uncertain significance (3); Likely benign (3). 1 of the submissions does not count toward it. Last evaluated 2025-10-10.

Conditions:
Inborn genetic diseases. Identifiers: MedGen C0950123, MeSH D030342.
SYNE1-related disorder. Also called: SYNE1-related disease; SYNE1-related condition; SYNE1-related disorders.
Emery-Dreifuss muscular dystrophy 4, autosomal dominant (EDMD4). Also called: EMERY-DREIFUSS MUSCULAR DYSTROPHY 4 WITH VARIABLE FEATURES. Identifiers: Orphanet 261, MedGen C2751807, MONDO:0013071, OMIM 612998.
Autosomal recessive ataxia, Beauce type. Also called: SYNE1-Related Autosomal Recessive Cerebellar Ataxia; Spinocerebellar ataxia, autosomal recessive 8; ATAXIA, RECESSIVE, OF BEAUCE; SYNE1 Deficiency. Identifiers: Orphanet 88644, MedGen C1853116, MONDO:0012549, OMIM 610743.

Allele frequency attached by ClinVar (database versions not stated): gnomAD exomes 0.00004 and 0.00014; ExAC 0.00022; gnomAD 0.00054 and 0.00058; TOPMed 0.00055; ESP Exome Variant Server 0.00085; 1000 Genomes Project 30x 0.00094; 1000 Genomes Project 0.00100.
gnomAD v4.1: 153 of 1,614,194 alleles (0.0095%); highest among the groups gnomAD compares: African/African-American, 0.19%; no homozygotes.

Submissions (7):

Labcorp Genetics (formerly Invitae), Labcorp
Classification: Likely benign for Emery-Dreifuss muscular dystrophy 4, autosomal dominant; Autosomal recessive ataxia, Beauce type. Last evaluated: 2025-10-10. Review status: criteria provided, single submitter. Criteria: Invitae Variant Classification Sherloc (09022015). Collection method: clinical testing. Allele origin: germline.

Athena Diagnostics
Classification: Likely benign. Last evaluated: 2024-06-03. Review status: criteria provided, single submitter. Criteria: Athena Diagnostics Criteria. Collection method: clinical testing. Allele origin: unknown.

GeneDx
Classification: Uncertain significance. Last evaluated: 2023-11-09. Review status: criteria provided, single submitter. Criteria: GeneDx Variant Classification Process June 2021. Collection method: clinical testing. Allele origin: germline. Affected: yes.
Comment: In silico analysis supports that this missense variant has a deleterious effect on protein structure/function; Has not been previously published as pathogenic or benign to our knowledge

Revvity Omics, Revvity
Classification: Uncertain significance. Last evaluated: 2022-03-21. Review status: criteria provided, single submitter. Criteria: ACMG Guidelines, 2015. Collection method: clinical testing. Allele origin: germline.

Ambry Genetics
Classification: Uncertain significance for Inborn genetic diseases. Last evaluated: 2021-11-12. Review status: criteria provided, single submitter. Criteria: Ambry Variant Classification Scheme 2023. Collection method: clinical testing. Allele origin: germline.

Eurofins Ntd Llc (ga)
Classification: Likely benign. Last evaluated: 2016-09-28. Review status: criteria provided, single submitter. Criteria: EGL Classification Definitions 2015. Collection method: clinical testing. Allele origin: germline. Observed: 2 variant alleles, 2 heterozygotes.

PreventionGenetics, part of Exact Sciences
Classification: Likely benign for SYNE1-related condition. Last evaluated: 2023-06-06. Review status: no assertion criteria provided. Collection method: clinical testing. Allele origin: germline. Not counted in ClinVar's aggregate classification.
Comment: This variant is classified as likely benign based on ACMG/AMP sequence variant interpretation guidelines (Richards et al. 2015 PMID: 25741868, with internal and published modifications).

NM_182961.4(SYNE1):c.5807A>G (p.His1936Arg)

Gene: SYNE1 (spectrin repeat containing nuclear envelope protein 1; minus strand). Cytogenetic location: 6q25.2.
Variant type: single nucleotide variant.
Coding change: c.5807A>G on transcript NM_182961.4 (MANE Select); coding-DNA position 5807, A replaced by G.
Protein change: p.His1936Arg; replaces histidine 1936 with arginine.
Molecular consequence: missense variant.
Genome position (GRCh38, 1-based): chr6:152,416,630, T>C on the plus strand (A>G on the coding strand, the complement: SYNE1 is on the minus strand). VCF-style: chr6-152416630-T-C. GRCh37 (hg19) VCF-style: chr6-152737765-T-C.
Other names: c.5828A>G, p.His1943Arg (NM_033071.5); c.5807A>G (NM_182961.2); short protein forms H1936R, H1943R.
Identifiers: ClinVar variation 497077 (VCV000497077.28), dbSNP rs112744561, ClinGen allele CA4058218.